The following is an entry in ClinVar:

NM_021942.6(TRAPPC11):c.2113G>A (p.Gly705Arg)

Gene: TRAPPC11 (trafficking protein particle complex subunit 11; plus strand). Cytogenetic location: 4q35.1.
Variant type: single nucleotide variant.
Coding change: c.2113G>A on transcript NM_021942.6 (MANE Select); coding-DNA position 2113, G replaced by A.
Protein change: p.Gly705Arg; replaces glycine 705 with arginine.
Molecular consequence: missense variant.
Genome position (GRCh38, 1-based): chr4:183,693,023, G>A. VCF-style: chr4-183693023-G-A. GRCh37 (hg19) VCF-style: chr4-184614176-G-A.
Other names: c.2113G>A, p.Gly705Arg (NM_199053.3); short protein forms G705R.
Identifiers: ClinVar variation 1430604 (VCV001430604.8), dbSNP rs763249909, ClinGen allele CA3152109.

ClinVar aggregate classification (germline): Uncertain significance (1 of 4 stars; one submission).

Conditions:
Autosomal recessive limb-girdle muscular dystrophy type R18 (LGMDR18). Also called: MUSCULAR DYSTROPHY, LIMB-GIRDLE, AUTOSOMAL RECESSIVE 18; Autosomal recessive limb-girdle muscular dystrophy type 2S; Limb-girdle muscular dystrophy, type 2S. Identifiers: Orphanet 369840, MedGen C4517996, MONDO:0014144, OMIM 615356.

Allele frequency attached by ClinVar (database versions not stated): gnomAD exomes 0.00001; ExAC 0.00002.
gnomAD v4.1: 12 of 1,611,914 alleles (0.00074%); highest among the groups gnomAD compares: Non-Finnish European, 0.001%; no homozygotes.

Submission:

Labcorp Genetics (formerly Invitae), Labcorp
Classification: Uncertain significance for Autosomal recessive limb-girdle muscular dystrophy type R18. Last evaluated: 2025-07-10. Review status: criteria provided, single submitter. Criteria: Invitae Variant Classification Sherloc (09022015). Collection method: clinical testing. Allele origin: germline.
Comment: This sequence change replaces glycine, which is neutral and non-polar, with arginine, which is basic and polar, at codon 705 of the TRAPPC11 protein (p.Gly705Arg). This variant is present in population databases (rs763249909, gnomAD 0.002%). This variant has not been reported in the literature in individuals affected with TRAPPC11-related conditions. ClinVar contains an entry for this variant (Variation ID: 1430604). Invitae Evidence Modeling of protein sequence and biophysical properties (such as structural, functional, and spatial information, amino acid conservation, physicochemical variation, residue mobility, and thermodynamic stability) has been performed for this missense variant. However, the output from this modeling did not meet the statistical confidence thresholds required to predict the impact of this variant on TRAPPC11 protein function. In summary, the available evidence is currently insufficient to determine the role of this variant in disease. Therefore, it has been classified as a Variant of Uncertain Significance.